The following is an entry in ClinVar:

NM_001211.6(BUB1B):c.2059G>C (p.Gly687Arg)

Gene: BUB1B (BUB1 mitotic checkpoint serine/threonine kinase B; plus strand). Cytogenetic location: 15q15.1.
Variant type: single nucleotide variant.
Coding change: c.2059G>C on transcript NM_001211.6 (MANE Select); coding-DNA position 2059, G replaced by C.
Protein change: p.Gly687Arg; replaces glycine 687 with arginine.
Molecular consequence: missense variant.
Genome position (GRCh38, 1-based): chr15:40,208,686, G>C. VCF-style: chr15-40208686-G-C. GRCh37 (hg19) VCF-style: chr15-40500887-G-C.
Other names: short protein forms G687R.
Identifiers: ClinVar variation 3221374 (VCV003221374.1), dbSNP rs2542569571, ClinGen allele CA391693499.

ClinVar aggregate classification (germline): Uncertain significance (1 of 4 stars; one submission).

Conditions:
Inborn genetic diseases. Identifiers: MedGen C0950123, MeSH D030342.

Submission:

Ambry Genetics
Classification: Uncertain significance for Inborn genetic diseases. Last evaluated: 2024-02-20. Review status: criteria provided, single submitter. Criteria: Ambry Variant Classification Scheme 2023. Collection method: clinical testing. Allele origin: germline.
Comment: The p.G687R variant (also known as c.2059G>C), located in coding exon 16 of the BUB1B gene, results from a G to C substitution at nucleotide position 2059. The glycine at codon 687 is replaced by arginine, an amino acid with dissimilar properties. This amino acid position is conserved. In addition, this alteration is predicted to be tolerated by in silico analysis. Based on the available evidence, the clinical significance of this alteration remains unclear.